The following is an entry in ClinVar:

NM_001009944.3(PKD1):c.10820A>C (p.Lys3607Thr)

Genes: PKD1 (polycystin 1, transient receptor potential channel interacting; minus strand), PKD1-AS1 (PKD1 antisense RNA 1; plus strand). Cytogenetic location: 16p13.3.
Variant type: single nucleotide variant.
Coding change: c.10820A>C on transcript NM_001009944.3 (MANE Select); coding-DNA position 10820, A replaced by C.
Protein change: p.Lys3607Thr; replaces lysine 3607 with threonine.
Molecular consequence: missense variant.
Genome position (GRCh38, 1-based): chr16:2,093,812, T>G on the plus strand (A>C on the coding strand, the complement: PKD1 is on the minus strand). VCF-style: chr16-2093812-T-G. GRCh37 (hg19) VCF-style: chr16-2143813-T-G.
Other names: c.10817A>C, p.Lys3606Thr (NM_000296.4); short protein forms K3606T, K3607T.
Identifiers: ClinVar variation 4845324 (VCV004845324.2).

ClinVar aggregate classification (germline): Uncertain significance (1 of 4 stars; one submission).

Conditions:
Polycystic kidney disease, adult type (PKD1). Also called: Polycystic Kidney Disease 1, Autosomal Dominant; Polycystic kidney disease 1; Polycystic kidney disease 1, severe; POLYCYSTIC KIDNEY DISEASE 1 WITH OR WITHOUT POLYCYSTIC LIVER DISEASE; Polycystic Kidney, Autosomal Dominant; POLYCYSTIC KIDNEY DISEASE, ADULT, TYPE I. Identifiers: MedGen C3149841, MONDO:0008263, OMIM 173900.

Submission:

Victorian Clinical Genetics Services, Murdoch Childrens Research Institute
Classification: Uncertain significance for Polycystic kidney disease, adult type. Last evaluated: 2026-03-04. Review status: criteria provided, single submitter. Criteria: ACMG Guidelines, 2015. Collection method: clinical testing. Allele origin: germline. Affected: yes.
Comment: This variant is classified as VUS-3B. Evidence in support of pathogenic classification: Variant is absent from gnomAD (v2, v3 and v4). Additional information: Variant is predicted to result in a missense amino acid change from Lys to Thr. This variant is located at the second last nucleotide of exon 36; however, no functional evidence is available to determine the consequence on splicing; This variant is heterozygous; This gene is associated with autosomal dominant disease. Polycystic kidney disease 1 (MIM#173900) is predominantly caused by monoallelic variants, with rare reports of biallelic variants causing disease (OMIM); This variant has no previous evidence of pathogenicity; No published evidence of segregation with disease has been identified for this variant; No published functional evidence has been identified for this variant; Other missense variant(s) comparable to the one identified in this case have inconclusive previous evidence for pathogenicity. p.(Lys3607Met) has been classified as VUS (ClinVar; PMIDs: 32398770, 36755831), and reported in the literature in two relatives with ADPKD, but both also harboured a pathogenic NMD-predicted variant and phasing is unclear (PMID: 32398770). In addition, p.(Lys3607Asn), p.(Lys3607Glu) and p.(Lys3607Arg) have been classified as VUS (ClinVar); Variant is not located in an established domain, motif, hotspot or informative constraint region; In silico predictions and conservation for missense and splicing outcomes are inconclusive; Loss of function is a known mechanism of disease in this gene and is associated with polycystic kidney disease 1 (MIM#173900); Inheritance information for this variant is not currently available in this individual.